The following is an entry in ClinVar:

ClinVar aggregate classification (germline): Uncertain significance. Review status: criteria provided, multiple submitters, no conflicts (2 of 4 stars). 2 submissions from 2 submitters: Uncertain significance (2). Last evaluated 2023-09-20.

Conditions:
Inborn genetic diseases. Identifiers: MedGen C0950123, MeSH D030342.
Progressive myoclonic epilepsy type 3. Also called: EPILEPSY, PROGRESSIVE MYOCLONIC, 3, WITH OR WITHOUT INTRACELLULAR INCLUSIONS; CEROID LIPOFUSCINOSIS, NEURONAL, 14; EPILEPSY, PROGRESSIVE MYOCLONIC, 3, WITHOUT INTRACELLULAR INCLUSIONS; KCTD7-Related Progressive Myoclonic Epilepsy. Identifiers: Orphanet 263516, MedGen C2673257, MONDO:0012721, OMIM 611726.

Allele frequency attached by ClinVar (database versions not stated): gnomAD exomes 0.00001 and 0.00003; ExAC 0.00002; gnomAD 0.00005 and 0.00006; TOPMed 0.00005; ESP Exome Variant Server 0.00008.
gnomAD v4.1: 58 of 1,614,002 alleles (0.0036%); highest among the groups gnomAD compares: African/African-American, 0.008%; no homozygotes.

Submissions (2):

Ambry Genetics
Classification: Uncertain significance for Inborn genetic diseases. Last evaluated: 2023-09-20. Review status: criteria provided, single submitter. Criteria: Ambry Variant Classification Scheme 2023. Collection method: clinical testing. Allele origin: germline.

Labcorp Genetics (formerly Invitae), Labcorp
Classification: Uncertain significance for Progressive myoclonic epilepsy type 3. Last evaluated: 2022-07-06. Review status: criteria provided, single submitter. Criteria: Invitae Variant Classification Sherloc (09022015). Collection method: clinical testing. Allele origin: germline.
Comment: This sequence change replaces threonine, which is neutral and polar, with methionine, which is neutral and non-polar, at codon 89 of the KCTD7 protein (p.Thr89Met). This variant is present in population databases (rs375586745, gnomAD 0.007%). This variant has not been reported in the literature in individuals affected with KCTD7-related conditions. ClinVar contains an entry for this variant (Variation ID: 1517989). Algorithms developed to predict the effect of missense changes on protein structure and function (SIFT, PolyPhen-2, Align-GVGD) all suggest that this variant is likely to be tolerated. In summary, the available evidence is currently insufficient to determine the role of this variant in disease. Therefore, it has been classified as a Variant of Uncertain Significance.

NM_153033.5(KCTD7):c.266C>T (p.Thr89Met)

Gene: KCTD7 (potassium channel tetramerization domain containing 7; plus strand). Cytogenetic location: 7q11.21.
Variant type: single nucleotide variant.
Coding change: c.266C>T on transcript NM_153033.5 (MANE Select); coding-DNA position 266, C replaced by T.
Protein change: p.Thr89Met; replaces threonine 89 with methionine.
Molecular consequence: missense variant.
Genome position (GRCh38, 1-based): chr7:66,633,396, C>T. VCF-style: chr7-66633396-C-T. GRCh37 (hg19) VCF-style: chr7-66098383-C-T.
Other names: c.266C>T (NM_153033.4); c.266C>T, p.Thr89Met (NM_001167961.2); short protein forms T89M.
Identifiers: ClinVar variation 1517989 (VCV001517989.4), dbSNP rs375586745, ClinGen allele CA4278214.